The following is an entry in ClinVar:

NM_198551.4(MIA3):c.2479C>T (p.Arg827Ter)

Gene: MIA3 (MIA SH3 domain ER export factor 3; plus strand). Cytogenetic location: 1q41.
Variant type: single nucleotide variant.
Coding change: c.2479C>T on transcript NM_198551.4 (MANE Select); coding-DNA position 2479, C replaced by T.
Protein change: p.Arg827Ter; replaces arginine 827 with a stop codon.
Molecular consequence: nonsense.
Genome position (GRCh38, 1-based): chr1:222,629,699, C>T. VCF-style: chr1-222629699-C-T. GRCh37 (hg19) VCF-style: chr1-222803041-C-T.
Other names: c.2479C>T, p.Arg827Ter (NM_001324062.2, NM_001324063.2); c.1987C>T, p.Arg663Ter (NM_001324064.2); short protein forms R663*, R827*.
Identifiers: ClinVar variation 4857014 (VCV004857014.1).

ClinVar aggregate classification (germline): Uncertain significance (1 of 4 stars; one submission).

Conditions:
Fetal anomalies with a likely genetic cause.

gnomAD v4.1: 8 of 1,614,012 alleles (0.0005%); highest among the groups gnomAD compares: Non-Finnish European, 0.00051%; no homozygotes.

Submission:

Genetics Laboratory, Great Ormond Street Hospital NHS Foundation Trust, North Thames Genomic Laboratory Hub
Classification: Uncertain significance for Fetal anomalies with a likely genetic cause. Last evaluated: 2026-04-29. Review status: criteria provided, single submitter. Criteria: ACGS Best Practice Guidelines for Variant Classification in Rare Disease 2024 v1.2. Collection method: clinical testing. Allele origin: germline. Affected: yes.
Comment: PM2_moderate, PVS1_moderate